The following is an entry in ClinVar:

ClinVar aggregate classification (germline): Uncertain significance (1 of 4 stars; one submission).

Allele frequency attached by ClinVar (database versions not stated): gnomAD exomes below 0.00001.
gnomAD v4.1: 1 of 1,614,138 alleles (0.000062%); highest among the groups gnomAD compares: Admixed American, 0.0017%; no homozygotes.

Submission:

Labcorp Genetics (formerly Invitae), Labcorp
Classification: Uncertain significance. Last evaluated: 2022-02-24. Review status: criteria provided, single submitter. Criteria: Invitae Variant Classification Sherloc (09022015). Collection method: clinical testing. Allele origin: germline.
Comment: In summary, the available evidence is currently insufficient to determine the role of this variant in disease. Therefore, it has been classified as a Variant of Uncertain Significance. Advanced modeling of protein sequence and biophysical properties (such as structural, functional, and spatial information, amino acid conservation, physicochemical variation, residue mobility, and thermodynamic stability) performed at Invitae indicates that this missense variant is not expected to disrupt COL9A1 protein function. ClinVar contains an entry for this variant (Variation ID: 1016570). This variant has not been reported in the literature in individuals affected with COL9A1-related conditions. This variant is present in population databases (no rsID available, gnomAD 0.003%). This sequence change replaces threonine, which is neutral and polar, with alanine, which is neutral and non-polar, at codon 591 of the COL9A1 protein (p.Thr591Ala).

NM_001851.6(COL9A1):c.1771A>G (p.Thr591Ala)

Gene: COL9A1 (collagen type IX alpha 1 chain; minus strand). Cytogenetic location: 6q13.
Variant type: single nucleotide variant.
Coding change: c.1771A>G on transcript NM_001851.6 (MANE Select); coding-DNA position 1771, A replaced by G.
Protein change: p.Thr591Ala; replaces threonine 591 with alanine.
Molecular consequence: missense variant. On other transcripts: non-coding transcript variant (1).
Genome position (GRCh38, 1-based): chr6:70,252,309, T>C on the plus strand (A>G on the coding strand, the complement: COL9A1 is on the minus strand). VCF-style: chr6-70252309-T-C. GRCh37 (hg19) VCF-style: chr6-70962012-T-C.
Other names: c.1072A>G, p.Thr358Ala (NM_001377289.1); c.1042A>G, p.Thr348Ala (NM_001377290.1, NM_078485.4); short protein forms T348A, T358A, T591A.
Identifiers: ClinVar variation 1016570 (VCV001016570.6), dbSNP rs1348618819, ClinGen allele CA364677256.